The following is an entry in ClinVar:

ClinVar aggregate classification (germline): Likely benign. Review status: criteria provided, multiple submitters, no conflicts (2 of 4 stars). 4 submissions from 4 submitters: Likely benign (3). 1 of the submissions does not count toward it. Last evaluated 2025-12-01.

Conditions:
PKD1-related disorder. Also called: PKD1-related condition.

Allele frequency attached by ClinVar (database versions not stated): gnomAD 0.00019; ExAC 0.00081.

Submissions (4):

Women's Health and Genetics/Laboratory Corporation of America, LabCorp
Classification: Likely benign. Last evaluated: 2025-12-01. Review status: criteria provided, single submitter. Criteria: LabCorp Variant Classification Summary - May 2015. Collection method: clinical testing. Allele origin: germline.

Blueprint Genetics
Classification: Likely benign. Last evaluated: 2024-07-30. Review status: criteria provided, single submitter. Criteria: ACMG Guidelines, 2015. Collection method: clinical testing. Allele origin: germline.

CeGaT Center for Human Genetics Tuebingen
Classification: Likely benign. Last evaluated: 2023-11-01. Review status: criteria provided, single submitter. Criteria: CeGaT Center For Human Genetics Tuebingen Variant Classification Criteria Version 2. Collection method: clinical testing. Allele origin: germline. Affected: yes. Observed: 2 variant alleles.
Comment: PKD1: BP4, BP7

PreventionGenetics, part of Exact Sciences
Classification: Likely benign for PKD1-related condition. Last evaluated: 2020-08-20. Review status: no assertion criteria provided. Collection method: clinical testing. Allele origin: germline. Not counted in ClinVar's aggregate classification.
Comment: This variant is classified as likely benign based on ACMG/AMP sequence variant interpretation guidelines (Richards et al. 2015 PMID: 25741868, with internal and published modifications).

NM_001009944.3(PKD1):c.1971C>T (p.Asp657=)

Gene: PKD1 (polycystin 1, transient receptor potential channel interacting; minus strand). Cytogenetic location: 16p13.3.
Variant type: single nucleotide variant.
Coding change: c.1971C>T on transcript NM_001009944.3 (MANE Select); coding-DNA position 1971, C replaced by T.
Protein change: p.Asp657=; no amino-acid change (aspartic acid 657 retained).
Molecular consequence: synonymous variant.
Genome position (GRCh38, 1-based): chr16:2,115,504, G>A on the plus strand (C>T on the coding strand, the complement: PKD1 is on the minus strand). VCF-style: chr16-2115504-G-A. GRCh37 (hg19) VCF-style: chr16-2165505-G-A.
Other names: c.1971C>T, p.Asp657= (NM_000296.4).
Identifiers: ClinVar variation 2578757 (VCV002578757.28), dbSNP rs754358948, ClinGen allele CA7833333.